The following is an entry in ClinVar:

ClinVar aggregate classification (germline): Likely benign (1 of 4 stars; one submission).

Allele frequency attached by ClinVar (database versions not stated): 1000 Genomes Project 0.00120; 1000 Genomes Project 30x 0.00172; ESP Exome Variant Server 0.00225; gnomAD 0.00252; TOPMed 0.00253; gnomAD exomes 0.00352; ExAC 0.00472.
gnomAD v4.1: 5,513 of 1,608,622 alleles (0.34%); highest among the groups gnomAD compares: Non-Finnish European, 0.4%; 15 homozygotes.

Submission:

CeGaT Center for Human Genetics Tuebingen
Classification: Likely benign. Last evaluated: 2022-07-01. Review status: criteria provided, single submitter. Criteria: CeGaT Center For Human Genetics Tuebingen Variant Classification Criteria Version 2. Collection method: clinical testing. Allele origin: germline. Affected: yes. Observed: 1 variant allele.
Comment: YLPM1: BP4, BP7

NM_019589.3(YLPM1):c.939G>A (p.Leu313=)

Gene: YLPM1 (YLP motif containing 1; plus strand). Cytogenetic location: 14q24.3.
Variant type: single nucleotide variant.
Coding change: c.939G>A on transcript NM_019589.3 (MANE Select); coding-DNA position 939, G replaced by A.
Protein change: p.Leu313=; no amino-acid change (leucine 313 retained).
Molecular consequence: synonymous variant.
Genome position (GRCh38, 1-based): chr14:74,778,512, G>A. VCF-style: chr14-74778512-G-A. GRCh37 (hg19) VCF-style: chr14-75245215-G-A.
Other names: c.939G>A, p.Leu313= (NM_001411052.1).
Identifiers: ClinVar variation 2644371 (VCV002644371.24), dbSNP rs142846161, ClinGen allele CA7271599.